The following is an entry in ClinVar:

NM_000059.4(BRCA2):c.7719dup (p.Trp2574fs)

Gene: BRCA2 (BRCA2 DNA repair associated; plus strand). Cytogenetic location: 13q13.1.
Variant type: Duplication.
Coding change: c.7719dup on transcript NM_000059.4 (MANE Select); coding-DNA position 7719, one base duplicated (A; older notation c.7719dupA).
Protein change: p.Trp2574fs; shifts the reading frame from tryptophan 2574.
Molecular consequence: frameshift variant.
Genome position (GRCh38, 1-based): chr13:32,357,843, A duplicated. VCF-style (leftmost placement, unchanged base first): chr13-32357842-T-TA. GRCh37 (hg19) VCF-style: chr13-32931979-T-TA.
Other names: 7947insA; c.7719dupA (NM_000059.3); short protein forms W2574fs.
Identifiers: ClinVar variation 126155 (VCV000126155.21), dbSNP rs80359676, ClinGen allele CA025245.

ClinVar aggregate classification (germline): Pathogenic. Review status: reviewed by expert panel (3 of 4 stars). 7 submissions from 7 submitters: Pathogenic (1). 6 of the submissions do not count toward it. Last evaluated 2016-09-08.

Conditions:
Hereditary cancer-predisposing syndrome. Also called: Tumor predisposition; Hereditary Cancer Syndrome; Neoplastic Syndromes, Hereditary; Hereditary neoplastic syndrome. Identifiers: Orphanet 140162, MedGen C0027672, MeSH D009386, MONDO:0015356.
Hereditary breast ovarian cancer syndrome. Also called: Hereditary breast and ovarian cancer; Hereditary breast and/or ovarian cancer syndrome; BRCA1- and BRCA2-Associated Hereditary Breast and Ovarian Cancer; Hereditary breast and ovarian cancer syndrome; Hereditary breast and ovarian cancer syndrome (HBOC); Breast and ovarian cancer. Identifiers: Orphanet 145, MedGen C0677776, MeSH D061325, MONDO:0003582. Disease mechanism: loss of function.
Breast-ovarian cancer, familial, susceptibility to, 2 (BROVCA2). Also called: BRCA2 Hereditary Breast and Ovarian Cancer. Identifiers: Orphanet 145, MedGen C2675520, MONDO:0012933, OMIM 612555. Disease mechanism: loss of function.

Submissions (7):

Evidence-based Network for the Interpretation of Germline Mutant Alleles (ENIGMA)
Classification: Pathogenic for Breast-ovarian cancer, familial, susceptibility to, 2. Last evaluated: 2016-09-08. Review status: reviewed by expert panel. Criteria: ENIGMA BRCA1/2 Classification Criteria (2015). Collection method: curation. Allele origin: germline.
Comment: Variant allele predicted to encode a truncated non-functional protein.

Ambry Genetics
Classification: Pathogenic for Hereditary cancer-predisposing syndrome. Last evaluated: 2023-11-02. Review status: criteria provided, single submitter. Criteria: Ambry Variant Classification Scheme 2023. Collection method: clinical testing. Allele origin: germline. Not counted in ClinVar's aggregate classification.
Comment: The c.7719dupA pathogenic mutation, located in coding exon 15 of the BRCA2 gene, results from a duplication of A at nucleotide position 7719, causing a translational frameshift with a predicted alternate stop codon (p.W2574Mfs*10). This variant is considered to be rare based on population cohorts in the Genome Aggregation Database (gnomAD). This alteration is expected to result in loss of function by premature protein truncation or nonsense-mediated mRNA decay. As such, this alteration is interpreted as a disease-causing mutation.

Revvity Omics, Revvity
Classification: Likely pathogenic. Last evaluated: 2023-03-13. Review status: criteria provided, single submitter. Criteria: ACMG Guidelines, 2015. Collection method: clinical testing. Allele origin: germline. Not counted in ClinVar's aggregate classification.

Labcorp Genetics (formerly Invitae), Labcorp
Classification: Pathogenic for Hereditary breast ovarian cancer syndrome. Last evaluated: 2022-07-19. Review status: criteria provided, single submitter. Criteria: Invitae Variant Classification Sherloc (09022015). Collection method: clinical testing. Allele origin: germline. Not counted in ClinVar's aggregate classification.
Comment: For these reasons, this variant has been classified as Pathogenic. ClinVar contains an entry for this variant (Variation ID: 126155). This premature translational stop signal has been observed in individual(s) with clinical features of BRCA2-related conditions (PMID: 21520333). This variant is not present in population databases (gnomAD no frequency). This sequence change creates a premature translational stop signal (p.Trp2574Metfs*10) in the BRCA2 gene. It is expected to result in an absent or disrupted protein product. Loss-of-function variants in BRCA2 are known to be pathogenic (PMID: 20104584).

GeneDx
Classification: Pathogenic. Last evaluated: 2019-06-12. Review status: criteria provided, single submitter. Criteria: GeneDx Variant Classification Process June 2021. Collection method: clinical testing. Allele origin: germline. Affected: yes. Not counted in ClinVar's aggregate classification.
Comment: Frameshift variant predicted to result in protein truncation or nonsense mediated decay in a gene for which loss-of-function is a known mechanism of disease; Not observed in large population cohorts (Lek et al., 2016); Reported as pathogenic in ClinVar, but additional evidence is not available [ClinVar SCV000301197.2, Landrum et al., 2016]; This variant is associated with the following publications: (PMID: 32719484)

Women's Health and Genetics/Laboratory Corporation of America, LabCorp
Classification: Pathogenic for Hereditary breast ovarian cancer syndrome. Last evaluated: 2017-04-25. Review status: criteria provided, single submitter. Criteria: LabCorp Variant Classification Summary - May 2015. Collection method: clinical testing. Allele origin: germline. Not counted in ClinVar's aggregate classification.
Comment: Variant summary: The BRCA2 c.7719dupA (p.Trp2574Metfs) variant results in a premature termination codon, predicted to cause a truncated or absent BRCA2 protein due to nonsense mediated decay, which are commonly known mechanisms for disease. Truncations nearby and downstream of this position have been classified as pathogenic by our laboratory (e.g., c.7721G>A [p.Trp2574X]; c.7757G>A [p.Trp2586X]; c.7758G>A [p.Trp2586X]), indicating the region is a mutational hotspot and truncations beyond the variant of interest are responsible for disease. One in silico tool predicts a damaging outcome for this variant. This variant is absent from the large control database ExAC (0/121342 control chromosomes). However, it has been reported in one HBOC patient in the BIC database, although this patient also carried a potentially pathogenic BRCA1 variant (BIC classified both BRCA2 c.7719dupA and the co-occurring BRCA1 c.66_67delAG [p.Leu22_Glu23LeuValfs] as pathogenic; LCA depicts the c.66_67delAG under correct HGVS nomenclature as c.68_69delAG currently scored as a DV). In addition, multiple clinical diagnostic laboratories/reputable databases classified this variant as pathogenic. Taken together, this variant is classified as pathogenic.

Breast Cancer Information Core (BIC) (BRCA2)
Classification: Pathogenic for Breast-ovarian cancer, familial 2. Last evaluated: 1999-05-04. Review status: no assertion criteria provided. Collection method: clinical testing. Allele origin: germline. Affected: yes. Observed: 1 variant allele. Not counted in ClinVar's aggregate classification.

Literature cited by the submitters: PubMed 21520333 (cited by Labcorp Genetics (formerly Invitae), Labcorp); PubMed 20104584 (cited by Labcorp Genetics (formerly Invitae), Labcorp); PubMed 26147798 (cited by Women's Health and Genetics/Laboratory Corporation of America, LabCorp).